The following is an entry in ClinVar:

NM_012156.2(EPB41L1):c.2610C>G (p.Ser870=)

Gene: EPB41L1 (erythrocyte membrane protein band 4.1 like 1; plus strand). Cytogenetic location: 20q11.23.
Variant type: single nucleotide variant.
Coding change: c.2610C>G on transcript NM_012156.2 (MANE Select); coding-DNA position 2610, C replaced by G.
Protein change: p.Ser870=; no amino-acid change (serine 870 retained).
Molecular consequence: synonymous variant.
Genome position (GRCh38, 1-based): chr20:36,222,367, C>G. VCF-style: chr20-36222367-C-G. GRCh37 (hg19) VCF-style: chr20-34810289-C-G.
Other names: c.2607C>G, p.Ser869= (NM_001258329.1, NM_001424402.1); c.2070C>G, p.Ser690= (NM_001258330.1); c.2304C>G, p.Ser768= (NM_001258331.2, NM_001424390.1, NM_177996.2); c.1806C>G, p.Ser602= (NM_001424373.1); c.1890C>G, p.Ser630= (NM_001424374.1); c.1893C>G, p.Ser631= (NM_001424375.1, NM_001424403.1); c.1929C>G, p.Ser643= (NM_001424376.1); c.1971C>G, p.Ser657= (NM_001424377.1); and 19 more.
Identifiers: ClinVar variation 2652298 (VCV002652298.24), dbSNP rs2517083848, ClinGen allele CA510360946.

ClinVar aggregate classification (germline): Likely benign (1 of 4 stars; one submission).

Submission:

CeGaT Center for Human Genetics Tuebingen
Classification: Likely benign. Last evaluated: 2023-05-01. Review status: criteria provided, single submitter. Criteria: CeGaT Center For Human Genetics Tuebingen Variant Classification Criteria Version 2. Collection method: clinical testing. Allele origin: germline. Affected: yes. Observed: 1 variant allele.
Comment: EPB41L1: PM2:Supporting, BP4, BP7